The following is an entry in ClinVar:

ClinVar aggregate classification (germline): Conflicting classifications of pathogenicity. Review status: criteria provided, conflicting classifications (1 of 4 stars). 2 submissions from 2 submitters: Pathogenic (1); Uncertain significance (1). Last evaluated 2023-02-09.

Submissions (2):

Blueprint Genetics
Classification: Uncertain significance. Last evaluated: 2023-02-09. Review status: criteria provided, single submitter. Criteria: ACMG Guidelines, 2015. Collection method: clinical testing. Allele origin: germline.

Labcorp Genetics (formerly Invitae), Labcorp
Classification: Pathogenic. Last evaluated: 2022-10-10. Review status: criteria provided, single submitter. Criteria: Invitae Variant Classification Sherloc (09022015). Collection method: clinical testing. Allele origin: germline.
Comment: This sequence change creates a premature translational stop signal (p.Leu395Phefs*24) in the COQ2 gene. While this is not anticipated to result in nonsense mediated decay, it is expected to disrupt the last 27 amino acid(s) of the COQ2 protein. The frequency data for this variant in the population databases is considered unreliable, as metrics indicate poor data quality at this position in the gnomAD database. This variant has not been reported in the literature in individuals affected with COQ2-related conditions. This variant disrupts a region of the COQ2 protein in which other variant(s) (p.Asn401Ilefs*15) have been determined to be pathogenic (PMID: 17332895, 27493029). This suggests that this is a clinically significant region of the protein, and that variants that disrupt it are likely to be disease-causing. For these reasons, this variant has been classified as Pathogenic.

Literature cited by the submitters: PubMed 17332895 (cited by Labcorp Genetics (formerly Invitae), Labcorp); PubMed 27493029 (cited by Labcorp Genetics (formerly Invitae), Labcorp).

NM_001358921.2(COQ2):c.1034dup (p.Leu345fs)

Gene: COQ2 (coenzyme Q2, polyprenyltransferase; minus strand). Cytogenetic location: 4q21.23.
Variant type: Duplication.
Coding change: c.1034dup on transcript NM_001358921.2 (MANE Select); coding-DNA position 1034, one base duplicated (T; older notation c.1034dupT).
Protein change: p.Leu345fs; shifts the reading frame from leucine 345.
Molecular consequence: frameshift variant.
Genome position (GRCh38, 1-based): chr4:83,264,281, A duplicated on the plus strand (T on the coding strand, the reverse complement: COQ2 is on the minus strand); the first of 7 consecutive A bases (chr4:83,264,281-83,264,287); duplicating any one gives the same sequence. VCF-style (leftmost placement, unchanged base first): chr4-83264280-T-TA. GRCh37 (hg19) VCF-style: chr4-84185433-T-TA.
Other names: c.1184dup, p.Leu395fs (NM_015697.9); short protein forms L345fs, L395fs.
Identifiers: ClinVar variation 1943129 (VCV001943129.6), dbSNP rs763059203, ClinGen allele CA2988449.